The following is an entry in ClinVar:

ClinVar aggregate classification (germline): Uncertain significance. Review status: criteria provided, multiple submitters, no conflicts (2 of 4 stars). 3 submissions from 3 submitters: Uncertain significance (3). Last evaluated 2025-12-16.

Conditions:
Glanzmann thrombasthenia. Also called: THROMBASTHENIA OF GLANZMANN AND NAEGELI; PLATELET GLYCOPROTEIN IIb-IIIa DEFICIENCY; Thrombasthenia; Glanzmann's thrombasthenia. Identifiers: Orphanet 849, MedGen C0040015, MONDO:0100326.
Glanzmann thrombasthenia 1 (GT1). Also called: BLEEDING DISORDER, PLATELET-TYPE, 2; GP IIb-IIIa COMPLEX DEFICIENCY; GLYCOPROTEIN COMPLEX IIb-IIIa DEFICIENCY; PLATELET FIBRINOGEN RECEPTOR DEFICIENCY. Identifiers: MedGen CN300358, MONDO:0031332, OMIM 273800.
Platelet-type bleeding disorder 16 (BDPLT16). Also called: Bleeding disorder, platelet-type, 16, autosomal dominant. Identifiers: Orphanet 140957, MedGen C5442010, MONDO:0008552, OMIM 187800.

Submissions (3):

Labcorp Genetics (formerly Invitae), Labcorp
Classification: Uncertain significance for Glanzmann thrombasthenia. Last evaluated: 2025-12-16. Review status: criteria provided, single submitter. Criteria: Invitae Variant Classification Sherloc (09022015). Collection method: clinical testing. Allele origin: germline.
Comment: This sequence change replaces valine, which is neutral and non-polar, with methionine, which is neutral and non-polar, at codon 649 of the ITGA2B protein (p.Val649Met). This variant is present in population databases (rs7207402, gnomAD 0.008%). This variant has not been reported in the literature in individuals affected with ITGA2B-related conditions. ClinVar contains an entry for this variant (Variation ID: 3063724). An algorithm developed to predict the effect of missense changes on protein structure and function outputs the following: PolyPhen-2: "Benign". The methionine amino acid residue is found in multiple mammalian species, which suggests that this missense change does not adversely affect protein function. In summary, the available evidence is currently insufficient to determine the role of this variant in disease. Therefore, it has been classified as a Variant of Uncertain Significance.

Women's Health and Genetics/Laboratory Corporation of America, LabCorp
Classification: Uncertain significance. Last evaluated: 2025-03-25. Review status: criteria provided, single submitter. Criteria: LabCorp Variant Classification Summary - May 2015. Collection method: clinical testing. Allele origin: germline.
Comment: Variant summary: ITGA2B c.1945G>A (p.Val649Met) results in a conservative amino acid change in the encoded protein sequence. Five of five in-silico tools predict a benign effect of the variant on protein function. Consensus agreement among computation tools predict no significant impact on normal splicing. However, these predictions have yet to be confirmed by functional studies. The variant allele was found at a frequency of 4.6e-05 in 174878 control chromosomes. The available data on variant occurrences in the general population are insufficient to allow any conclusion about variant significance. To our knowledge, no occurrence of c.1945G>A in individuals affected with ITGA2B-Related Disorders and no experimental evidence demonstrating its impact on protein function have been reported. ClinVar contains an entry for this variant (Variation ID: 3063724). Based on the evidence outlined above, the variant was classified as uncertain significance.

Department of Pathology and Laboratory Medicine, Sinai Health System
Classification: Uncertain significance for Platelet-type bleeding disorder 16; Glanzmann thrombasthenia 1. Last evaluated: 2023-03-12. Review status: criteria provided, single submitter. Criteria: ACMG Guidelines, 2015. Collection method: research. Allele origin: germline.

NM_000419.5(ITGA2B):c.1945G>A (p.Val649Met)

Gene: ITGA2B (integrin subunit alpha 2b; minus strand). Cytogenetic location: 17q21.31.
Variant type: single nucleotide variant.
Coding change: c.1945G>A on transcript NM_000419.5 (MANE Select); coding-DNA position 1945, G replaced by A.
Protein change: p.Val649Met; replaces valine 649 with methionine.
Molecular consequence: missense variant.
Genome position (GRCh38, 1-based): chr17:44,378,644, C>T on the plus strand (G>A on the coding strand, the complement: ITGA2B is on the minus strand). VCF-style: chr17-44378644-C-T. GRCh37 (hg19) VCF-style: chr17-42456012-C-T.
Other names: short protein forms V649M.
Identifiers: ClinVar variation 3063724 (VCV003063724.4), dbSNP rs7207402, ClinGen allele CA8602903.